The following is an entry in ClinVar:

ClinVar aggregate classification (germline): Uncertain significance (3 of 4 stars; one submission).

Conditions:
Monogenic diabetes. Identifiers: Orphanet 183625, MedGen C3888631, MONDO:0015967.

Submission:

ClinGen Monogenic Diabetes Variant Curation Expert Panel
Classification: Uncertain significance for Monogenic diabetes. Last evaluated: 2025-11-26. Review status: reviewed by expert panel. Criteria: ClinGen Diabetes ACMG Specifications HNF1A V3.1.0. Collection method: curation. Allele origin: germline. Inheritance: Autosomal dominant inheritance.
Comment: The c.761T>A variant in the HNF1 homeobox A gene, HNF1A, causes an amino acid change of leucine to glutamine at codon 254 (p.(Leu254Gln)) of NM_000545.8. This variant is located within a conserved region of the DNA binding domain (codons 107-174 and 201-280) of HNF1A, which is defined as critical for the protein’s function by the ClinGen MDEP (PM1_Supporting). This variant is absent from gnomAD v4.1.0 (PM2_Supporting) and is predicted to be deleterious by computational evidence, with a REVEL score of 0.931, which is greater than the MDEP VCEP threshold of 0.70 (PP3). Functional studies demonstrated the p.Leu254Gln protein has transactivation below 40% of wildtype, indicating that this variant impacts protein function (PMID: 26431509). This variant was identified in an individual with diabetes; however, the MODY probability is unable to be calculated due to lack of clinical information (PMID: 26431509) Another missense variant, c.760C>A p.Leu254Met, has been classified as a VUS by the ClinGen MDEP; therefore, PM5 will not be applied. In summary, c.761T>A meets the criteria to be classified as a variant of uncertain significance for monogenic diabetes. ACMG/AMP criteria applied, as specified by the ClinGen MDEP (specification version 3.1.0 approved 10/10/2025): PM2_Supporting, PM1_Supporting, PP3, PS3_Supporting).

Literature cited by the submitters: PubMed 26431509.

NM_000545.8(HNF1A):c.761T>A (p.Leu254Gln)

Gene: HNF1A (HNF1 homeobox A; plus strand). Cytogenetic location: 12q24.31.
Variant type: single nucleotide variant.
Coding change: c.761T>A on transcript NM_000545.8 (MANE Select); coding-DNA position 761, T replaced by A.
Protein change: p.Leu254Gln; replaces leucine 254 with glutamine.
Molecular consequence: missense variant.
Genome position (GRCh38, 1-based): chr12:120,994,211, T>A. VCF-style: chr12-120994211-T-A. GRCh37 (hg19) VCF-style: chr12-121432014-T-A.
Other names: NM_001306179.2:c.761T>A; c.761T>A, p.Leu254Gln (NM_001306179.2); short protein forms L254Q.
Identifiers: ClinVar variation 1699992 (VCV001699992.2), dbSNP rs2135841460, ClinGen allele CA386965978.